The following is an entry in ClinVar:

NM_001110556.2(FLNA):c.2071A>C (p.Lys691Gln)

Gene: FLNA (filamin A; minus strand). Cytogenetic location: Xq28.
Variant type: single nucleotide variant.
Coding change: c.2071A>C on transcript NM_001110556.2 (MANE Select); coding-DNA position 2071, A replaced by C.
Protein change: p.Lys691Gln; replaces lysine 691 with glutamine.
Molecular consequence: missense variant.
Genome position (GRCh38, 1-based): chrX:154,364,324, T>G on the plus strand (A>C on the coding strand, the complement: FLNA is on the minus strand). VCF-style: chrX-154364324-T-G. GRCh37 (hg19) VCF-style: chrX-153592692-T-G.
Other names: c.2071A>C, p.Lys691Gln (NM_001456.4); short protein forms K691Q.
Identifiers: ClinVar variation 1036639 (VCV001036639.9), dbSNP rs2067738505, ClinGen allele CA415238732.
Genomic context (GRCh38, chrX:154,364,324, plus strand): 5'-CTTGGACCCGAAGTGGGGCCTTGCCACCGTGCTTGGCATCCACTGTGAACTCTGCTGGCT[T>G]GTTGACGGCCACACCTGTCTTCTCCAATCCAGGCCCACGTGCCTTCACCTAGCGGGAGAC-3'
Protein context (NP_001104026.1, residues 681-701): GLEKTGVAVN[Lys691Gln]PAEFTVDAKH

ClinVar aggregate classification (germline): Uncertain significance (1 of 4 stars; one submission).

Conditions:
Heterotopia, periventricular, X-linked dominant (PVNH1). Also called: PERIVENTRICULAR NODULAR HETEROTOPIA 1; X-linked periventricular heterotopia; PERIVENTRICULAR NODULAR HETEROTOPIA 4; HETEROTOPIA, PERIVENTRICULAR, 1. Identifiers: Orphanet 2149, Orphanet 82004, MedGen C1848213, MONDO:0010233, OMIM 300049.
Melnick-Needles syndrome (MNS). Also called: MELNICK-NEEDLES OSTEODYSPLASTY; OSTEODYSPLASTY OF MELNICK AND NEEDLES; Melnick-Needles Syndrome (FLNA-MNS). Identifiers: Orphanet 2484, MedGen C0025237, MONDO:0010650, OMIM 309350.
Frontometaphyseal dysplasia (FMD1). Identifiers: Orphanet 1826, MedGen C0265293, MONDO:0015942.
Oto-palato-digital syndrome, type II (OPD2). Also called: OPD II SYNDROME; FACIOPALATOOSSEOUS SYNDROME; Otopalatodigital Syndrome Type 2 (FLNA-OPD2); Otopalatodigital Syndrome, Type II. Identifiers: Orphanet 669, Orphanet 90652, MedGen C1844696, MONDO:0010571, OMIM 304120.

Submission:

Labcorp Genetics (formerly Invitae), Labcorp
Classification: Uncertain significance for Oto-palato-digital syndrome, type II; Heterotopia, periventricular, X-linked dominant; Frontometaphyseal dysplasia; Melnick-Needles syndrome. Last evaluated: 2024-03-27. Review status: criteria provided, single submitter. Criteria: Invitae Variant Classification Sherloc (09022015). Collection method: clinical testing. Allele origin: germline.
Comment: This sequence change replaces lysine, which is basic and polar, with glutamine, which is neutral and polar, at codon 691 of the FLNA protein (p.Lys691Gln). This variant is not present in population databases (gnomAD no frequency). This variant has not been reported in the literature in individuals affected with FLNA-related conditions. ClinVar contains an entry for this variant (Variation ID: 1036639). Advanced modeling of protein sequence and biophysical properties (such as structural, functional, and spatial information, amino acid conservation, physicochemical variation, residue mobility, and thermodynamic stability) performed at Invitae indicates that this missense variant is not expected to disrupt FLNA protein function with a negative predictive value of 95%. In summary, the available evidence is currently insufficient to determine the role of this variant in disease. Therefore, it has been classified as a Variant of Uncertain Significance.